The following is an entry in ClinVar:

NM_001191058.4(PDE1C):c.86-1G>A

Gene: PDE1C (phosphodiesterase 1C; minus strand). Cytogenetic location: 7p14.3.
Variant type: single nucleotide variant.
Coding change: c.86-1G>A on transcript NM_001191058.4; the canonical splice acceptor site of the intron before coding-DNA position 86, G replaced by A.
Molecular consequence: splice acceptor variant.
Genome position (GRCh38, 1-based): chr7:32,209,540, C>T on the plus strand (G>A on the coding strand, the complement: PDE1C is on the minus strand). VCF-style: chr7-32209540-C-T. GRCh37 (hg19) VCF-style: chr7-32249152-C-T.
Other names: c.311-1G>A (NM_001322059.2); c.86-1G>A (NM_001322058.2).
Identifiers: ClinVar variation 4070944 (VCV004070944.1).

ClinVar aggregate classification (germline): Likely pathogenic (1 of 4 stars; one submission).

Conditions:
Hearing loss, autosomal dominant 74. Also called: DEAFNESS, AUTOSOMAL DOMINANT 74. Identifiers: MedGen C4748334, MONDO:0029137, OMIM 618140.

gnomAD v4.1: 8 of 1,545,844 alleles (0.00052%); highest among the groups gnomAD compares: Non-Finnish European, 0.00069%; no homozygotes.

Submission:

Diagnostics Services (NGS), CSIR - Centre For Cellular And Molecular Biology
Classification: Likely pathogenic for Hearing loss, autosomal dominant 74. Last evaluated: 2025-07-16. Review status: criteria provided, single submitter. Criteria: ACMG Guidelines, 2015. Collection method: clinical testing. Allele origin: unknown. Affected: yes. Observed: 1 variant allele, 1 heterozygote.
Comment: The c.86-1G>A variant is not present in 1000 Genomes, EVS, gnomAD, Indian Exome Database and our internal database. This variant has neither been published in the literature for PDE1C-related conditions nor reported to clinical databases like HGMD, ClinVar or OMIM in any affected individuals. Algorithms developed to predict the effect of sequence changes on RNA splicing suggest that this variant can disrupt the consensus splice site. In-silico pathogenicity prediction programs like HSF3.1, MutationTaster2021, CADD, etc predicted this variant to be likely deleterious, however these predictions were not confirmed by published functional/translational studies.